The following is an entry in ClinVar:

NM_001040142.2(SCN2A):c.1533A>T (p.Lys511Asn)

Gene: SCN2A (sodium voltage-gated channel alpha subunit 2; plus strand). Cytogenetic location: 2q24.3.
Variant type: single nucleotide variant.
Coding change: c.1533A>T on transcript NM_001040142.2 (MANE Select); coding-DNA position 1533, A replaced by T.
Protein change: p.Lys511Asn; replaces lysine 511 with asparagine.
Molecular consequence: missense variant.
Genome position (GRCh38, 1-based): chr2:165,315,620, A>T. VCF-style: chr2-165315620-A-T. GRCh37 (hg19) VCF-style: chr2-166172130-A-T.
Other names: c.1533A>T, p.Lys511Asn (NM_001040143.2, NM_001371246.1, NM_001371247.1 and 1 more transcripts); short protein forms K511N.
Identifiers: ClinVar variation 2952879 (VCV002952879.3), dbSNP rs2105259899, ClinGen allele CA349023416.

ClinVar aggregate classification (germline): Uncertain significance (1 of 4 stars; one submission).

Conditions:
Seizures, benign familial infantile, 3 (BFIS3). Also called: Familial neonatal seizures; CONVULSIONS, BENIGN FAMILIAL INFANTILE, 3. Identifiers: Orphanet 140927, Orphanet 306, MedGen C1843140, MONDO:0011904, OMIM 607745.
Developmental and epileptic encephalopathy, 11 (DEE11). Also called: Early infantile epileptic encephalopathy 11. Identifiers: Orphanet 1934, MedGen C3150987, MONDO:0013388, OMIM 613721.

Submission:

Labcorp Genetics (formerly Invitae), Labcorp
Classification: Uncertain significance for Seizures, benign familial infantile, 3; Developmental and epileptic encephalopathy, 11. Last evaluated: 2023-11-03. Review status: criteria provided, single submitter. Criteria: Invitae Variant Classification Sherloc (09022015). Collection method: clinical testing. Allele origin: germline.
Comment: This sequence change replaces lysine, which is basic and polar, with asparagine, which is neutral and polar, at codon 511 of the SCN2A protein (p.Lys511Asn). This variant is not present in population databases (gnomAD no frequency). This variant has not been reported in the literature in individuals affected with SCN2A-related conditions. Advanced modeling of protein sequence and biophysical properties (such as structural, functional, and spatial information, amino acid conservation, physicochemical variation, residue mobility, and thermodynamic stability) performed at Invitae indicates that this missense variant is not expected to disrupt SCN2A protein function with a negative predictive value of 95%. In summary, the available evidence is currently insufficient to determine the role of this variant in disease. Therefore, it has been classified as a Variant of Uncertain Significance.